The following is an entry in ClinVar:

ClinVar aggregate classification (germline): Likely benign. Review status: criteria provided, multiple submitters, no conflicts (2 of 4 stars). 2 submissions from 2 submitters: Likely benign (2). Last evaluated 2023-04-17.

Allele frequency attached by ClinVar (database versions not stated): gnomAD exomes 0.00012 and 0.00032; gnomAD 0.00013; TOPMed 0.00013; ExAC 0.00014; ESP Exome Variant Server 0.00057.
gnomAD v4.1: 342 of 1,151,792 alleles (0.03%); highest among the groups gnomAD compares: Non-Finnish European, 0.038%; no homozygotes.

Submissions (2):

Labcorp Genetics (formerly Invitae), Labcorp
Classification: Likely benign. Last evaluated: 2023-04-17. Review status: criteria provided, single submitter. Criteria: Invitae Variant Classification Sherloc (09022015). Collection method: clinical testing. Allele origin: germline.

GeneDx
Classification: Likely benign. Last evaluated: 2017-10-06. Review status: criteria provided, single submitter. Criteria: GeneDx Variant Classification (06012015). Collection method: clinical testing. Allele origin: germline. Affected: yes.
Comment: This variant is considered likely benign or benign based on one or more of the following criteria: it is a conservative change, it occurs at a poorly conserved position in the protein, it is predicted to be benign by multiple in silico algorithms, and/or has population frequency not consistent with disease.

NM_006280.3(SSR4):c.351+19C>T

Gene: SSR4 (signal sequence receptor subunit 4; plus strand). Cytogenetic location: Xq28.
Variant type: single nucleotide variant.
Coding change: c.351+19C>T on transcript NM_006280.3 (MANE Select); 19 bases into the intron after coding-DNA position 351, C replaced by T.
Molecular consequence: intron variant.
Genome position (GRCh38, 1-based): chrX:153,797,833, C>T. VCF-style: chrX-153797833-C-T. GRCh37 (hg19) VCF-style: chrX-153063288-C-T.
Other names: c.351+19C>T (NM_001440796.1); c.432+19C>T (NM_001440795.1); c.375+19C>T (NM_001204527.2); c.384+19C>T (NM_001204526.2).
Identifiers: ClinVar variation 512152 (VCV000512152.8), dbSNP rs376775424, ClinGen allele CA10553338.